The following is an entry in ClinVar:

ClinVar aggregate classification (germline): Likely benign (1 of 4 stars; one submission).

Allele frequency attached by ClinVar (database versions not stated): 1000 Genomes Project 30x 0.00109; 1000 Genomes Project 0.00120; TOPMed 0.00453; ESP Exome Variant Server 0.00546; gnomAD 0.00582; ExAC 0.00594; gnomAD exomes 0.00678.
gnomAD v4.1: 10,617 of 1,594,460 alleles (0.67%); highest among the groups gnomAD compares: Non-Finnish European, 0.74%; 53 homozygotes.

Submission:

GeneDx
Classification: Likely benign. Last evaluated: 2021-03-08. Review status: criteria provided, single submitter. Criteria: GeneDx Variant Classification Process June 2021. Collection method: clinical testing. Allele origin: germline. Affected: yes.
Comment: See Variant Classification Assertion Criteria.

NM_018685.5(ANLN):c.2603+27C>T

Gene: ANLN (anillin, actin binding protein; plus strand). Cytogenetic location: 7p14.2.
Variant type: single nucleotide variant.
Coding change: c.2603+27C>T on transcript NM_018685.5 (MANE Select); 27 bases into the intron after coding-DNA position 2603, C replaced by T.
Molecular consequence: intron variant.
Genome position (GRCh38, 1-based): chr7:36,423,970, C>T. VCF-style: chr7-36423970-C-T. GRCh37 (hg19) VCF-style: chr7-36463579-C-T.
Other names: c.2492+27C>T (NM_001284301.3); c.2489+27C>T (NM_001284302.3).
Identifiers: ClinVar variation 1707201 (VCV001707201.2), dbSNP rs75233446, ClinGen allele CA4219904.
Genomic context (GRCh38, chr7:36,423,970, plus strand): 5'-GTGATGCTCTGACATTCACTACTACATTTACTCTGTAAGTAAATCAGGCTTTTGATGATT[C>T]GAATGCATTTTTCTTTTTGTAGAGTTGATACAGTCTAAAGCATTCAGGTGGCATTTATAA-3'